The following is an entry in ClinVar:

NM_000138.5(FBN1):c.7661G>A (p.Arg2554Gln)

Gene: FBN1 (fibrillin 1; minus strand). Cytogenetic location: 15q21.1.
Variant type: single nucleotide variant.
Coding change: c.7661G>A on transcript NM_000138.5 (MANE Select); coding-DNA position 7661, G replaced by A.
Protein change: p.Arg2554Gln; replaces arginine 2554 with glutamine.
Molecular consequence: missense variant.
Genome position (GRCh38, 1-based): chr15:48,421,596, C>T on the plus strand (G>A on the coding strand, the complement: FBN1 is on the minus strand). VCF-style: chr15-48421596-C-T. GRCh37 (hg19) VCF-style: chr15-48713793-C-T.
Other names: short protein forms R2554Q.
Identifiers: ClinVar variation 316364 (VCV000316364.38), dbSNP rs199522781, ClinGen allele CA058980.

ClinVar aggregate classification (germline): Conflicting classifications of pathogenicity. Review status: criteria provided, conflicting classifications (1 of 4 stars). 17 submissions from 11 submitters: Uncertain significance (6); Likely benign (11). Last evaluated 2026-01-26.

Conditions:
Stiff skin syndrome (SSKS). Identifiers: Orphanet 2833, MedGen C1861456, MONDO:0008492, OMIM 184900.
Marfan syndrome (MFS). Also called: Marfan syndrome type 1; Marfan's syndrome; MARFAN SYNDROME, TYPE I; Marfan syndrome, classic; FBN1-Related Marfan Syndrome. Identifiers: Orphanet 284963, Orphanet 558, MedGen C0024796, MONDO:0007947, OMIM 154700.
Weill-Marchesani syndrome. Also called: WM Syndrome; Mesodermal dysmorphodystrophy congenital. Identifiers: Orphanet 3449, MedGen C0265313, MONDO:0018096.
Acromicric dysplasia (ACMICD). Also called: Acromicric skeletal dysplasia. Identifiers: Orphanet 969, MedGen C0265287, MONDO:0007055, OMIM 102370.
Ectopia lentis 1, isolated, autosomal dominant (ECTOL1). Identifiers: Orphanet 1885, MedGen C3541518, MONDO:0007514, OMIM 129600.
Cardiovascular phenotype. Identifiers: MedGen CN230736.
Geleophysic dysplasia. Identifiers: Orphanet 2623, MedGen C3489726, MONDO:0000127.
Familial thoracic aortic aneurysm and aortic dissection (TAAD). Also called: Thoracic aortic aneurysms and dissections. Identifiers: Orphanet 91387, MedGen C4707243, MONDO:0019625.

Allele frequency attached by ClinVar (database versions not stated): ESP Exome Variant Server 0.00008; ExAC 0.00016; TOPMed 0.00013; gnomAD 0.00014; gnomAD exomes 0.00014.
gnomAD v4.1: 102 of 1,613,566 alleles (0.0063%); highest among the groups gnomAD compares: Non-Finnish European, 0.0063%; no homozygotes.

Submissions (17):

Women's Health and Genetics/Laboratory Corporation of America, LabCorp
Classification: Likely benign. Last evaluated: 2026-01-26. Review status: criteria provided, single submitter. Criteria: LabCorp Variant Classification Summary - May 2015. Collection method: clinical testing. Allele origin: germline.
Comment: Variant summary: FBN1 c.7661G>A (p.Arg2554Gln) results in a conservative amino acid change located in the EGF-like domain (IPR000742) of the encoded protein sequence. Algorithms developed to predict the effect of missense changes on protein structure and function are either unavailable or do not agree on the potential impact of this missense change. The variant allele was found at a frequency of 0.00014 in 250248 control chromosomes, predominantly at a frequency of 0.00019 within the Non-Finnish European subpopulation in the gnomAD database. The observed variant frequency within Non-Finnish European control individuals in the gnomAD database is approximately 2 fold of the estimated maximal expected allele frequency for a pathogenic variant in FBN1 causing Marfan Syndrome (0.00011), strongly suggesting that the variant is a benign polymorphism found primarily in populations of Non-Finnish European origin. c.7661G>A has been observed in individuals affected with Marfan Syndrome without strong evidence for causality (Sheikhzadeh_2012, Stark_2020). These report(s) do not provide unequivocal conclusions about association of the variant with Marfan Syndrome. To our knowledge, no experimental evidence demonstrating an impact on protein function has been reported. The following publications have been ascertained in the context of this evaluation (PMID: 21883168, 32679894). ClinVar contains an entry for this variant (Variation ID: 316364). Based on the evidence outlined above, the variant was classified as likely benign.

Labcorp Genetics (formerly Invitae), Labcorp
Classification: Likely benign for Marfan syndrome; Familial thoracic aortic aneurysm and aortic dissection. Last evaluated: 2025-12-31. Review status: criteria provided, single submitter. Criteria: Invitae Variant Classification Sherloc (09022015). Collection method: clinical testing. Allele origin: germline.

GeneDx
Classification: Uncertain significance. Last evaluated: 2025-07-18. Review status: criteria provided, single submitter. Criteria: GeneDx Variant Classification Process June 2021. Collection method: clinical testing. Allele origin: germline. Affected: yes.
Comment: Identified in patients with Marfan syndrome in published literature (PMID: 32679894, 21883168); In silico analysis suggests that this missense variant does not alter protein structure/function; This variant is associated with the following publications: (PMID: 25812041, 24941995, 27153395, 27647783, 29168297, 21883168, 32679894, 12938084, 37937776)

Ambry Genetics
Classification: Likely benign for Familial thoracic aortic aneurysm and aortic dissection. Last evaluated: 2025-06-16. Review status: criteria provided, single submitter. Criteria: Ambry Variant Classification Scheme 2023. Collection method: clinical testing. Allele origin: germline.

Color Diagnostics, LLC DBA Color Health
Classification: Uncertain significance for Familial thoracic aortic aneurysm and aortic dissection. Last evaluated: 2025-06-04. Review status: criteria provided, single submitter. Criteria: ACMG Guidelines, 2015. Collection method: clinical testing. Allele origin: germline.
Comment: This missense variant replaces arginine with glutamine at codon 2554 of the FBN1 protein. Computational prediction tool is inconclusive regarding the impact of this variant on protein structure and function. To our knowledge, functional studies have not been reported for this variant. This variant has been reported in three young individuals affected with Marfan syndrome (PMID: 32679894). This variant has also been observed in an individual with features of Marfan syndrome, but the individual did not meet Ghent criteria (PMID: 21883168). This variant has been identified in 43/281648 chromosomes in the general population by the Genome Aggregation Database (gnomAD). The elevated variant allele frequency in the general population indicates that this variant may not be disease-causing. However, additional studies are necessary to determine the role of this variant in disease conclusively. Therefore, this variant is classified as a Variant of Uncertain Significance.

Molecular Diagnostic Laboratory for Inherited Cardiovascular Disease, Montreal Heart Institute
Classification: Uncertain significance for Cardiovascular phenotype. Last evaluated: 2025-04-09. Review status: criteria provided, single submitter. Criteria: ACMG Guidelines, 2015. Collection method: clinical testing. Allele origin: germline. Affected: yes.

Centre of Medical Genetics, University of Antwerp
Classification: Uncertain significance for Familial thoracic aortic aneurysm and aortic dissection. Last evaluated: 2024-09-06. Review status: criteria provided, single submitter. Criteria: ACMG Guidelines, 2015. Collection method: clinical testing. Allele origin: germline. Affected: yes.

Blueprint Genetics
Classification: Likely benign. Last evaluated: 2024-06-27. Review status: criteria provided, single submitter. Criteria: ACMG Guidelines, 2015. Collection method: clinical testing. Allele origin: germline.

All of Us Research Program, National Institutes of Health
Classification: Uncertain significance for Marfan syndrome. Last evaluated: 2024-06-11. Review status: criteria provided, single submitter. Criteria: ACMG Guidelines, 2015. Collection method: clinical testing. Allele origin: germline. Inheritance: Autosomal dominant inheritance. Observed: 23 variant alleles, 23 heterozygotes.
Comment: This missense variant replaces arginine with glutamine at codon 2554 of the FBN1 protein. Computational prediction is inconclusive regarding the impact of this variant on protein structure and function (internally defined REVEL score threshold 0.5 < inconclusive < 0.7, PMID: 27666373). To our knowledge, functional studies have not been reported for this variant. This variant has been reported in three young individuals affected with Marfan syndrome (PMID: 32679894). This variant has also been observed in an individual with features of Marfan syndrome, but the individual did not meet Ghent criteria (PMID: 21883168). This variant has been identified in 43/281648 chromosomes in the general population by the Genome Aggregation Database (gnomAD). The available evidence is insufficient to determine the role of this variant in disease conclusively. Therefore, this variant is classified as a Variant of Uncertain Significance.

This study involves interpretation of variants in research participants for the purpose of population health screening. Participant phenotype was not available at the time of variant classification. Additional details can be found in publication PMID: 35346344, PMCID: PMC8962531

Illumina Laboratory Services, Illumina
Classification: Likely benign for Acromicric dysplasia. Last evaluated: 2017-04-28. Review status: criteria provided, single submitter. Criteria: ICSL Variant Classification Criteria 13 December 2019. Collection method: clinical testing. Allele origin: germline.
Comment: This variant was observed as part of a predisposition screen in an ostensibly healthy population. A literature search was performed for the gene, cDNA change, and amino acid change (where applicable). No publications were found based on this search. Allele frequency data from public databases allowed determination this variant is unlikely to cause disease. Therefore, this variant is classified as likely benign.

Illumina Laboratory Services, Illumina
Classification: Likely benign for Familial thoracic aortic aneurysm and aortic dissection. Last evaluated: 2017-04-28. Review status: criteria provided, single submitter. Criteria: ICSL Variant Classification Criteria 13 December 2019. Collection method: clinical testing. Allele origin: germline.
Comment: the same text as in the submission from Illumina Laboratory Services, Illumina above.

Illumina Laboratory Services, Illumina
Classification: Likely benign for Marfan syndrome. Last evaluated: 2017-04-28. Review status: criteria provided, single submitter. Criteria: ICSL Variant Classification Criteria 13 December 2019. Collection method: clinical testing. Allele origin: germline.
Comment: This variant was observed as part of a predisposition screen in an ostensibly healthy population. A literature search was performed for the gene, cDNA change, and amino acid change (where applicable). Publications were found based on this search. The evidence from the literature, in combination with allele frequency data from public databases where available, was sufficient to determine this variant is unlikely to cause disease. Therefore, this variant is classified as likely benign.

Illumina Laboratory Services, Illumina
Classification: Likely benign for Weill-Marchesani syndrome. Last evaluated: 2017-04-28. Review status: criteria provided, single submitter. Criteria: ICSL Variant Classification Criteria 13 December 2019. Collection method: clinical testing. Allele origin: germline.
Comment: the same text as in the submission from Illumina Laboratory Services, Illumina above.

Illumina Laboratory Services, Illumina
Classification: Likely benign for Ectopia lentis 1, isolated, autosomal dominant. Last evaluated: 2017-04-28. Review status: criteria provided, single submitter. Criteria: ICSL Variant Classification Criteria 13 December 2019. Collection method: clinical testing. Allele origin: germline.
Comment: the same text as in the submission from Illumina Laboratory Services, Illumina above.

Illumina Laboratory Services, Illumina
Classification: Likely benign for Stiff skin syndrome. Last evaluated: 2017-04-28. Review status: criteria provided, single submitter. Criteria: ICSL Variant Classification Criteria 13 December 2019. Collection method: clinical testing. Allele origin: germline.
Comment: the same text as in the submission from Illumina Laboratory Services, Illumina above.

Illumina Laboratory Services, Illumina
Classification: Likely benign for Geleophysic dysplasia. Last evaluated: 2017-04-28. Review status: criteria provided, single submitter. Criteria: ICSL Variant Classification Criteria 13 December 2019. Collection method: clinical testing. Allele origin: germline.
Comment: the same text as in the submission from Illumina Laboratory Services, Illumina above.

Laboratory for Molecular Medicine, Mass General Brigham Personalized Medicine
Classification: Uncertain significance. Last evaluated: 2016-04-25. Review status: criteria provided, single submitter. Criteria: LMM Criteria. Collection method: clinical testing. Allele origin: germline.
Comment: Variant identified in a genome or exome case(s) and assessed due to predicted null impact of the variant or pathogenic assertions in the literature or databases. Disclaimer: This variant has not undergone full assessment. The following are preliminary notes: 2/3 papers in HGMD classify as VUS; ExAC: 0.1% (7/6278) Finnish chromosomes

Literature cited by the submitters: PubMed 21883168 (cited by 4 submitters); PubMed 32679894 (cited by 4 submitters); PubMed 24941995 (cited by Illumina Laboratory Services, Illumina); PubMed 25812041 (cited by Illumina Laboratory Services, Illumina).